The following is an entry in ClinVar:

NM_133459.4(CCBE1):c.344C>T (p.Pro115Leu)

Gene: CCBE1 (collagen and calcium binding EGF domains 1; minus strand). Cytogenetic location: 18q21.32.
Variant type: single nucleotide variant.
Coding change: c.344C>T on transcript NM_133459.4 (MANE Select); coding-DNA position 344, C replaced by T.
Protein change: p.Pro115Leu; replaces proline 115 with leucine.
Molecular consequence: missense variant.
Genome position (GRCh38, 1-based): chr18:59,469,529, G>A on the plus strand (C>T on the coding strand, the complement: CCBE1 is on the minus strand). VCF-style: chr18-59469529-G-A. GRCh37 (hg19) VCF-style: chr18-57136761-G-A.
Other names: short protein forms P115L.
Identifiers: ClinVar variation 1384439 (VCV001384439.4), dbSNP rs147402390, ClinGen allele CA8980535.

ClinVar aggregate classification (germline): Uncertain significance (1 of 4 stars; one submission).

Allele frequency attached by ClinVar (database versions not stated): gnomAD 0.00005 and 0.00006; ExAC 0.00007; TOPMed 0.00007; gnomAD exomes 0.00010 and 0.00021; ESP Exome Variant Server 0.00015.
gnomAD v4.1: 309 of 1,613,990 alleles (0.019%); highest among the groups gnomAD compares: Non-Finnish European, 0.025%; no homozygotes.

Submission:

Labcorp Genetics (formerly Invitae), Labcorp
Classification: Uncertain significance. Last evaluated: 2024-06-22. Review status: criteria provided, single submitter. Criteria: Invitae Variant Classification Sherloc (09022015). Collection method: clinical testing. Allele origin: germline.
Comment: This sequence change replaces proline, which is neutral and non-polar, with leucine, which is neutral and non-polar, at codon 115 of the CCBE1 protein (p.Pro115Leu). This variant is present in population databases (rs147402390, gnomAD 0.01%). This variant has not been reported in the literature in individuals affected with CCBE1-related conditions. ClinVar contains an entry for this variant (Variation ID: 1384439). Advanced modeling of protein sequence and biophysical properties (such as structural, functional, and spatial information, amino acid conservation, physicochemical variation, residue mobility, and thermodynamic stability) performed at Invitae indicates that this missense variant is not expected to disrupt CCBE1 protein function with a negative predictive value of 80%. In summary, the available evidence is currently insufficient to determine the role of this variant in disease. Therefore, it has been classified as a Variant of Uncertain Significance.